The following is an entry in ClinVar:

NM_032856.5(WDR73):c.353-4C>G

Gene: WDR73 (WD repeat domain 73; minus strand). Cytogenetic location: 15q25.2.
Variant type: single nucleotide variant.
Coding change: c.353-4C>G on transcript NM_032856.5 (MANE Select); 4 bases into the intron before coding-DNA position 353, C replaced by G.
Molecular consequence: intron variant.
Genome position (GRCh38, 1-based): chr15:84,646,352, G>C on the plus strand (C>G on the coding strand, the complement: WDR73 is on the minus strand). VCF-style: chr15-84646352-G-C. GRCh37 (hg19) VCF-style: chr15-85189583-G-C.
Identifiers: ClinVar variation 3895796 (VCV003895796.1).
Genomic context (GRCh38, chr15:84,646,352, plus strand): 5'-GCCAGAGACTCTCCTCTTTCTCATGCACAGCAATGGTGCTGACAGCTTTAATGACATCTA[G>C]GGGAAAACGAAGAGGCCAAAATCCAGAACTTTAATGAAGGTTTGAAACATGACAGGCTGC-3'

ClinVar aggregate classification (germline): Uncertain significance (1 of 4 stars; one submission).

gnomAD v4.1: 11 of 1,602,344 alleles (0.00069%); highest among the groups gnomAD compares: African/African-American, 0.013%; no homozygotes.

Submission:

Women's Health and Genetics/Laboratory Corporation of America, LabCorp
Classification: Uncertain significance. Last evaluated: 2025-03-06. Review status: criteria provided, single submitter. Criteria: LabCorp Variant Classification Summary - May 2015. Collection method: clinical testing. Allele origin: germline.
Comment: Variant summary: WDR73 c.353-4C>G alters a non-conserved nucleotide located close to a canonical splice site and therefore could affect mRNA splicing, leading to a significantly altered protein sequence. Consensus agreement among computation tools predict no significant impact on normal splicing. However, these predictions have yet to be confirmed by functional studies. The variant allele was found at a frequency of 2.8e-05 in 246504 control chromosomes. The available data on variant occurrences in the general population are insufficient to allow any conclusion about variant significance. To our knowledge, no occurrence of c.353-4C>G in individuals affected with Galloway-Mowat Syndrome 1 and no experimental evidence demonstrating its impact on protein function have been reported. No submitters have cited clinical-significance assessments for this variant to ClinVar. Based on the evidence outlined above, the variant was classified as uncertain significance.